The following is an entry in ClinVar:

ClinVar aggregate classification (germline): Uncertain significance (1 of 4 stars; one submission).

Conditions:
STING-associated vasculopathy with onset in infancy. Also called: Sting-associated vasculopathy, infantile-onset. Identifiers: Orphanet 425120, MedGen C4014722, MONDO:0014405, OMIM 615934.

Submission:

Labcorp Genetics (formerly Invitae), Labcorp
Classification: Uncertain significance for STING-associated vasculopathy with onset in infancy. Last evaluated: 2023-07-17. Review status: criteria provided, single submitter. Criteria: Invitae Variant Classification Sherloc (09022015). Collection method: clinical testing. Allele origin: germline.
Comment: This sequence change replaces alanine, which is neutral and non-polar, with glycine, which is neutral and non-polar, at codon 262 of the TMEM173 protein (p.Ala262Gly). In summary, the available evidence is currently insufficient to determine the role of this variant in disease. Therefore, it has been classified as a Variant of Uncertain Significance. Advanced modeling of protein sequence and biophysical properties (such as structural, functional, and spatial information, amino acid conservation, physicochemical variation, residue mobility, and thermodynamic stability) performed at Invitae indicates that this missense variant is expected to disrupt TMEM173 protein function. ClinVar contains an entry for this variant (Variation ID: 1680242). This variant has not been reported in the literature in individuals affected with TMEM173-related conditions. This variant is not present in population databases (gnomAD no frequency).

NM_198282.4(STING1):c.785C>G (p.Ala262Gly)

Gene: STING1 (stimulator of interferon response cGAMP interactor 1; minus strand). Cytogenetic location: 5q31.2.
Variant type: single nucleotide variant.
Coding change: c.785C>G on transcript NM_198282.4 (MANE Select); coding-DNA position 785, C replaced by G.
Protein change: p.Ala262Gly; replaces alanine 262 with glycine.
Molecular consequence: missense variant. On other transcripts: intron variant (1).
Genome position (GRCh38, 1-based): chr5:139,477,490, G>C on the plus strand (C>G on the coding strand, the complement: STING1 is on the minus strand). VCF-style: chr5-139477490-G-C. GRCh37 (hg19) VCF-style: chr5-138857075-G-C.
Other names: c.428C>G, p.Ala143Gly (NM_001367258.1); c.759+780C>G (NM_001301738.2); short protein forms A143G, A262G.
Identifiers: ClinVar variation 1680242 (VCV001680242.8), dbSNP rs2152093371, ClinGen allele CA361479753.
Genomic context (GRCh38, chr5:139,477,490, plus strand): 5'-TCCCGGCTAAAGCCAGCTTGACTGTATTGTGACATGGCAAACAAAGTCTGCAAGGGGGTG[G>C]CGTACTCCAGGACACAGGTGCCCGCCTAGAGGAGGTAAGAGGAAGACCAGACTAAGCCAG-3'
Protein context (NP_938023.1, residues 252-272): QRAGTCVLEY[Ala262Gly]TPLQTLFAMS